The following is an entry in ClinVar:

ClinVar aggregate classification (germline): Uncertain significance (1 of 4 stars; one submission).

Allele frequency attached by ClinVar (database versions not stated): gnomAD exomes 0.00001.
gnomAD v4.1: 8 of 1,188,340 alleles (0.00067%); highest among the groups gnomAD compares: Non-Finnish European, 0.0009%; no homozygotes.

Submission:

Women's Health and Genetics/Laboratory Corporation of America, LabCorp
Classification: Uncertain significance. Last evaluated: 2024-12-16. Review status: criteria provided, single submitter. Criteria: LabCorp Variant Classification Summary - May 2015. Collection method: clinical testing. Allele origin: germline.
Comment: Variant summary: FGF13 c.-146508G>A is located in the untranscribed region upstream of the FGF13 gene region. This variant can also be interpreted as c.217+1G>A in NM_001139500. However, it is not clear if NM_001139500 is clinically relevant based on expression data (gnomAD) and reported variants in this transcript (HGMD). The variant was absent in 152191 control chromosomes. The available data on variant occurrences in the general population are insufficient to allow any conclusion about variant significance. To our knowledge, no occurrence of c.-146508G>A in individuals affected with FGF13-Related Disorders and no experimental evidence demonstrating its impact on protein function have been reported. ClinVar contains an entry for this variant (Variation ID: 2637555). Based on the evidence outlined above, the variant was classified as uncertain significance.

NM_004114.5(FGF13):c.-146508G>A

Gene: FGF13 (fibroblast growth factor 13; minus strand). Cytogenetic location: Xq26.3.
Variant type: single nucleotide variant.
Coding change: c.-146508G>A on transcript NM_004114.5 (MANE Select); 146508 bases upstream of the start codon, G replaced by A.
Molecular consequence: genic upstream transcript variant. On other transcripts: intron variant (1), splice donor variant (3).
Genome position (GRCh38, 1-based): chrX:138,857,511, C>T on the plus strand (G>A on the coding strand, the complement: FGF13 is on the minus strand). VCF-style: chrX-138857511-C-T. GRCh37 (hg19) VCF-style: chrX-137939673-C-T.
Other names: c.50-148583G>A (NM_001139498.2); c.217+1G>A (NM_001139500.2); c.130+1G>A (NM_001139501.2, NM_001139502.2).
Identifiers: ClinVar variation 2637555 (VCV002637555.2), dbSNP rs1032247400, ClinGen allele CA336237121.
Genomic context (GRCh38, chrX:138,857,511, plus strand): 5'-GAAAGAGAAAGAAAGAAGAATGAGAGAAAACAAGCAAAACACGCGTCTGTCGTGCACAAA[C>T]CTTCCGGCTCTGTGTTCTCTTTGTGGTGTACTTGCTTCAGCGGGCAGCAGAAGATTTCGT-3'